The following is an entry in ClinVar:

ClinVar aggregate classification (germline): Likely benign. Review status: criteria provided, multiple submitters, no conflicts (2 of 4 stars). 3 submissions from 3 submitters: Likely benign (3). Last evaluated 2025-12-01.

Conditions:
Baraitser-winter syndrome 2. Identifiers: Orphanet 2995, MedGen C3281235, MONDO:0013812, OMIM 614583.
Autosomal dominant nonsyndromic hearing loss 20. Identifiers: Orphanet 90635, MedGen C1858172, MONDO:0011480, OMIM 604717.

Allele frequency attached by ClinVar (database versions not stated): TOPMed 0.00001; gnomAD 0.00002.

Submissions (3):

Labcorp Genetics (formerly Invitae), Labcorp
Classification: Likely benign for Baraitser-winter syndrome 2; Autosomal dominant nonsyndromic hearing loss 20. Last evaluated: 2025-12-01. Review status: criteria provided, single submitter. Criteria: Invitae Variant Classification Sherloc (09022015). Collection method: clinical testing. Allele origin: germline.

Blueprint Genetics
Classification: Likely benign. Last evaluated: 2024-05-07. Review status: criteria provided, single submitter. Criteria: ACMG Guidelines, 2015. Collection method: clinical testing. Allele origin: germline.

Laboratory for Molecular Medicine, Mass General Brigham Personalized Medicine
Classification: Likely benign. Last evaluated: 2014-05-23. Review status: criteria provided, single submitter. Criteria: LMM Criteria. Collection method: clinical testing. Allele origin: germline. Observed: 2 variant alleles.
Comment: Val370Val in exon 6 of ACTG1: This variant is not expected to have clinical sign ificance because it does not alter an amino acid residue and it is not located w ithin the splice consensus sequence.

NM_001614.5(ACTG1):c.1110C>A (p.Val370=)

Gene: ACTG1 (actin gamma 1; minus strand). Cytogenetic location: 17q25.3.
Variant type: single nucleotide variant.
Coding change: c.1110C>A on transcript NM_001614.5 (MANE Select); coding-DNA position 1110, C replaced by A.
Protein change: p.Val370=; no amino-acid change (valine 370 retained).
Molecular consequence: synonymous variant. On other transcripts: non-coding transcript variant (1).
Genome position (GRCh38, 1-based): chr17:81,510,708, G>T on the plus strand (C>A on the coding strand, the complement: ACTG1 is on the minus strand). VCF-style: chr17-81510708-G-T. GRCh37 (hg19) VCF-style: chr17-79477734-G-T.
Other names: c.1110C>A, p.Val370= (NM_001199954.3).
Identifiers: ClinVar variation 162709 (VCV000162709.12), dbSNP rs727502879, ClinGen allele CA175184.
Genomic context (GRCh38, chr17:81,510,708, plus strand): 5'-AATTAACCCATGCAGCAAATGCTACGCATCTGCTGAGTCCGTTTAGAAGCATTTGCGGTG[G>T]ACGATGGAGGGGCCCGACTCGTCGTACTCCTGCTTGCTAATCCACATCTGCTGGAAGGTG-3'
Protein context (NP_001605.1, residues 360-375): QEYDESGPSI[Val370=]HRKCF